The following is an entry in ClinVar:

ClinVar aggregate classification (germline): Benign. Review status: criteria provided, single submitter (1 of 4 stars). 2 submissions from 2 submitters: Benign (1). 1 of the submissions does not count toward it. Last evaluated 2025-12-08.

Conditions:
BNC2-related disorder. Also called: BNC2-related condition.

Allele frequency attached by ClinVar (database versions not stated): gnomAD exomes 0.00018; ExAC 0.00055; 1000 Genomes Project 0.00160; 1000 Genomes Project 30x 0.00203; gnomAD 0.00207; ESP Exome Variant Server 0.00215; TOPMed 0.00252.
gnomAD v4.1: 601 of 1,614,120 alleles (0.037%); highest among the groups gnomAD compares: African/African-American, 0.68%; 2 homozygotes.

Submissions (2):

Labcorp Genetics (formerly Invitae), Labcorp
Classification: Benign. Last evaluated: 2025-12-08. Review status: criteria provided, single submitter. Criteria: Invitae Variant Classification Sherloc (09022015). Collection method: clinical testing. Allele origin: germline.

PreventionGenetics, part of Exact Sciences
Classification: Benign for BNC2-related condition. Last evaluated: 2022-12-12. Review status: no assertion criteria provided. Collection method: clinical testing. Allele origin: germline. Not counted in ClinVar's aggregate classification.
Comment: This variant is classified as benign based on ACMG/AMP sequence variant interpretation guidelines (Richards et al. 2015 PMID: 25741868, with internal and published modifications).

NM_017637.6(BNC2):c.1801A>G (p.Ile601Val)

Genes: BNC2 (basonuclin zinc finger protein 2; minus strand), LOC126860585 (MED14-independent group 3 enhancer GRCh37_chr9:16435259-16436458; plus strand). Cytogenetic location: 9p22.3.
Variant type: single nucleotide variant.
Coding change: c.1801A>G on transcript NM_017637.6 (MANE Select); coding-DNA position 1801, A replaced by G.
Protein change: p.Ile601Val; replaces isoleucine 601 with valine.
Molecular consequence: missense variant.
Genome position (GRCh38, 1-based): chr9:16,436,393, T>C on the plus strand (A>G on the coding strand, the complement: BNC2 is on the minus strand). VCF-style: chr9-16436393-T-C. GRCh37 (hg19) VCF-style: chr9-16436391-T-C.
Other names: c.1675A>G, p.Ile559Val (NM_001317939.2); c.1516A>G, p.Ile506Val (NM_001317940.2); short protein forms I559V, I601V, I506V.
Identifiers: ClinVar variation 2070219 (VCV002070219.6), dbSNP rs148257304, ClinGen allele CA4996016.